The following is an entry in ClinVar:

NM_004646.4(NPHS1):c.1339G>A (p.Glu447Lys)

Gene: NPHS1 (NPHS1 adhesion molecule, nephrin; minus strand). Cytogenetic location: 19q13.12.
Variant type: single nucleotide variant.
Coding change: c.1339G>A on transcript NM_004646.4 (MANE Select); coding-DNA position 1339, G replaced by A.
Protein change: p.Glu447Lys; replaces glutamic acid 447 with lysine.
Molecular consequence: missense variant.
Genome position (GRCh38, 1-based): chr19:35,848,142, C>T on the plus strand (G>A on the coding strand, the complement: NPHS1 is on the minus strand). VCF-style: chr19-35848142-C-T. GRCh37 (hg19) VCF-style: chr19-36339044-C-T.
Other names: short protein forms E447K.
Identifiers: ClinVar variation 180461 (VCV000180461.26), dbSNP rs28939695, ClinGen allele CA200833.

ClinVar aggregate classification (germline): Conflicting classifications of pathogenicity. Review status: criteria provided, conflicting classifications (1 of 4 stars). 9 submissions from 9 submitters: Uncertain significance (2); Benign (4); Likely benign (1). 2 of the submissions do not count toward it. Last evaluated 2026-02-04.

Conditions:
Finnish congenital nephrotic syndrome (NPHS1). Also called: NEPHROTIC SYNDROME, TYPE 1. Identifiers: Orphanet 839, MedGen C0403399, MONDO:0009732, OMIM 256300.
Congenital nephrotic syndrome. Also called: Familial nephrotic syndrome. Identifiers: MedGen C3501848, MeSH C535761, MONDO:0002350, HP:0008677.
Focal segmental glomerulosclerosis (FSGS). Also called: Glomerulosclerosis, focal; Focal sclerosis with hyalinosis. Identifiers: MedGen C0017668, MONDO:0100313, HP:0000097. Disease mechanism: loss of function.

Allele frequency attached by ClinVar (database versions not stated): gnomAD 0.00067 and 0.00121; TOPMed 0.00122; ExAC 0.00290; gnomAD exomes 0.00315; 1000 Genomes Project 30x 0.00656; 1000 Genomes Project 0.00699.
gnomAD v4.1: 2,647 of 1,614,068 alleles (0.16%); highest among the groups gnomAD compares: East Asian, 5.4%; 59 homozygotes.

Submissions (9):

Labcorp Genetics (formerly Invitae), Labcorp
Classification: Benign. Last evaluated: 2026-02-04. Review status: criteria provided, single submitter. Criteria: Invitae Variant Classification Sherloc (09022015). Collection method: clinical testing. Allele origin: germline.

Blueprint Genetics
Classification: Likely benign. Last evaluated: 2024-10-07. Review status: criteria provided, single submitter. Criteria: ACMG Guidelines, 2015. Collection method: clinical testing. Allele origin: germline.

GeneDx
Classification: Benign. Last evaluated: 2021-10-15. Review status: criteria provided, single submitter. Criteria: GeneDx Variant Classification Process June 2021. Collection method: clinical testing. Allele origin: germline. Affected: yes.
Comment: This variant is associated with the following publications: (PMID: 20981092, 27019444, 29259860, 28476686, 29382012, 12631336, 24142548, 10652016, 11317351, 27882743, 26248470, 31216994, 31456999, 31180159, 31308032, 31788464)

Genome Diagnostics Laboratory, The Hospital for Sick Children
Classification: Uncertain significance for Focal segmental glomerulosclerosis. Last evaluated: 2020-08-07. Review status: criteria provided, single submitter. Criteria: ACMG Guidelines, 2015. Collection method: clinical testing. Allele origin: germline.

Illumina Laboratory Services, Illumina
Classification: Benign for Congenital nephrotic syndrome. Last evaluated: 2017-04-27. Review status: criteria provided, single submitter. Criteria: ICSL Variant Classification Criteria 13 December 2019. Collection method: clinical testing. Allele origin: germline.
Comment: This variant was observed as part of a predisposition screen in an ostensibly healthy population. A literature search was performed for the gene, cDNA change, and amino acid change (where applicable). Publications were found based on this search. The evidence from the literature, in combination with allele frequency data from public databases where available, was sufficient to rule this variant out of causing disease. Therefore, this variant is classified as benign.

Soonchunhyang University Bucheon Hospital, Soonchunhyang University Medical Center
Classification: Uncertain significance for Finnish congenital nephrotic syndrome. Last evaluated: 2016-03-18. Review status: criteria provided, single submitter. Criteria: ACMG Guidelines, 2015. Collection method: reference population. Allele origin: germline. Observed: 7 variant alleles.

Eurofins Ntd Llc (ga)
Classification: Benign. Last evaluated: 2015-02-26. Review status: criteria provided, single submitter. Criteria: EGL Classification Definitions 2015. Collection method: clinical testing. Allele origin: germline. Observed: 1 variant allele, 1 heterozygote.

Natera, Inc.
Classification: Benign for Finnish congenital nephrotic syndrome. Last evaluated: 2020-05-04. Review status: no assertion criteria provided. Collection method: clinical testing. Allele origin: germline. Not counted in ClinVar's aggregate classification.

Counsyl
Classification: Likely benign for Finnish congenital nephrotic syndrome. Last evaluated: 2017-12-15. Review status: no assertion criteria provided. Collection method: clinical testing. Allele origin: unknown. Not counted in ClinVar's aggregate classification.

Literature cited by the submitters: PubMed 12631336 (cited by Illumina Laboratory Services, Illumina); PubMed 24142548 (cited by 3 submitters); PubMed 10652016 (cited by 3 submitters); PubMed 12324903 (cited by Illumina Laboratory Services, Illumina); PubMed 11317351 (cited by Illumina Laboratory Services, Illumina).